The following is an entry in ClinVar:

NM_004863.4(SPTLC2):c.1622G>A (p.Arg541His)

Gene: SPTLC2 (serine palmitoyltransferase long chain base subunit 2; minus strand). Cytogenetic location: 14q24.3.
Variant type: single nucleotide variant.
Coding change: c.1622G>A on transcript NM_004863.4 (MANE Select); coding-DNA position 1622, G replaced by A.
Protein change: p.Arg541His; replaces arginine 541 with histidine.
Molecular consequence: missense variant.
Genome position (GRCh38, 1-based): chr14:77,512,351, C>T on the plus strand (G>A on the coding strand, the complement: SPTLC2 is on the minus strand). VCF-style: chr14-77512351-C-T. GRCh37 (hg19) VCF-style: chr14-77978694-C-T.
Other names: short protein forms R541H.
Identifiers: ClinVar variation 572090 (VCV000572090.11), dbSNP rs375384785, ClinGen allele CA7289113.

ClinVar aggregate classification (germline): Uncertain significance. Review status: criteria provided, multiple submitters, no conflicts (2 of 4 stars). 3 submissions from 3 submitters: Uncertain significance (3). Last evaluated 2025-08-06.

Conditions:
SPTLC2-related disorder. Also called: SPTLC2-related condition.
Neuropathy, hereditary sensory and autonomic, type 1C. Also called: HSAN IC; HSN IC. Identifiers: Orphanet 36386, MedGen C3150896, MONDO:0013337, OMIM 613640.

Allele frequency attached by ClinVar (database versions not stated): ExAC 0.00001; gnomAD exomes 0.00002 and 0.00004; gnomAD 0.00006; ESP Exome Variant Server 0.00008; TOPMed 0.00012; 1000 Genomes Project 30x 0.00016; 1000 Genomes Project 0.00020.

Submissions (3):

Labcorp Genetics (formerly Invitae), Labcorp
Classification: Uncertain significance for Neuropathy, hereditary sensory and autonomic, type 1C. Last evaluated: 2025-08-06. Review status: criteria provided, single submitter. Criteria: Invitae Variant Classification Sherloc (09022015). Collection method: clinical testing. Allele origin: germline.
Comment: This sequence change replaces arginine, which is basic and polar, with histidine, which is basic and polar, at codon 541 of the SPTLC2 protein (p.Arg541His). This variant is present in population databases (rs375384785, gnomAD 0.02%). This variant has not been reported in the literature in individuals affected with SPTLC2-related conditions. ClinVar contains an entry for this variant (Variation ID: 572090). Invitae Evidence Modeling of protein sequence and biophysical properties (such as structural, functional, and spatial information, amino acid conservation, physicochemical variation, residue mobility, and thermodynamic stability) has been performed for this missense variant. However, the output from this modeling did not meet the statistical confidence thresholds required to predict the impact of this variant on SPTLC2 protein function. In summary, the available evidence is currently insufficient to determine the role of this variant in disease. Therefore, it has been classified as a Variant of Uncertain Significance.

PreventionGenetics, part of Exact Sciences
Classification: Uncertain significance for SPTLC2-related condition. Last evaluated: 2025-02-28. Review status: criteria provided, single submitter. Criteria: ACMG Guidelines, 2015. Collection method: clinical testing. Allele origin: germline.
Comment: The SPTLC2 c.1622G>A variant is predicted to result in the amino acid substitution p.Arg541His. To our knowledge, this variant has not been reported in the literature. This variant is reported in 0.020% of alleles in individuals of Latino descent in gnomAD. At this time, the clinical significance of this variant is uncertain due to the absence of conclusive functional and genetic evidence.

GeneDx
Classification: Uncertain significance. Last evaluated: 2020-12-04. Review status: criteria provided, single submitter. Criteria: GeneDx Variant Classification Process June 2021. Collection method: clinical testing. Allele origin: germline. Affected: yes.
Comment: In silico analysis supports that this missense variant has a deleterious effect on protein structure/function; Has not been previously published as pathogenic or benign to our knowledge